The following is an entry in ClinVar:

NM_001943.5(DSG2):c.2501A>G (p.Lys834Arg)

Genes: DSG2 (desmoglein 2; plus strand), DSG2-AS1 (DSG2 antisense RNA 1; minus strand). Cytogenetic location: 18q12.1.
Variant type: single nucleotide variant.
Coding change: c.2501A>G on transcript NM_001943.5 (MANE Select); coding-DNA position 2501, A replaced by G.
Protein change: p.Lys834Arg; replaces lysine 834 with arginine.
Molecular consequence: missense variant. On other transcripts: non-coding transcript variant (1).
Genome position (GRCh38, 1-based): chr18:31,545,887, A>G. VCF-style: chr18-31545887-A-G. GRCh37 (hg19) VCF-style: chr18-29125850-A-G.
Other names: short protein forms K834R.
Identifiers: ClinVar variation 927228 (VCV000927228.4), dbSNP rs2073302622, ClinGen allele CA402144731.
Genomic context (GRCh38, chr18:31,545,887, plus strand): 5'-GCAGTTTTATTGAAGGAGAGCTAGATGACCGCTTCTTAGATGATTTGGGACTTAAATTCA[A>G]GACACTAGCTGAAGTTTGCCTGGGTCAAAAAATAGATATAAATAAGGAAATTGAGCAGAG-3'
Protein context (NP_001934.2, residues 824-844): RFLDDLGLKF[Lys834Arg]TLAEVCLGQK

ClinVar aggregate classification (germline): Uncertain significance (1 of 4 stars; one submission).

Conditions:
Cardiomyopathy (CMYO). Also called: Cardiomyopathies. Identifiers: Orphanet 167848, MedGen C0878544, MONDO:0004994, HP:0001638. Inheritance: Various modes of inheritance.

Allele frequency attached by ClinVar (database versions not stated): gnomAD exomes below 0.00001.
gnomAD v4.1: 1 of 1,614,206 alleles (0.000062%); highest among the groups gnomAD compares: Non-Finnish European, 0.000085%; no homozygotes.

Submission:

Color Diagnostics, LLC DBA Color Health
Classification: Uncertain significance for Cardiomyopathy. Last evaluated: 2024-03-07. Review status: criteria provided, single submitter. Criteria: ACMG Guidelines, 2015. Collection method: clinical testing. Allele origin: germline.
Comment: This missense variant replaces lysine with arginine at codon 834 of the DSG2 protein. Computational prediction tool suggests that this variant may not impact protein structure and function (internally defined REVEL score threshold <=0.5, PMID: 27666373). Splice site prediction tools suggest that this variant may not impact RNA splicing. To our knowledge, functional studies have not been performed for this variant. This variant has not been reported in individuals affected with cardiovascular disorders in the literature. This variant has not been identified in the general population by the Genome Aggregation Database (gnomAD). The available evidence is insufficient to determine the role of this variant in disease conclusively. Therefore, this variant is classified as a Variant of Uncertain Significance.